The following is an entry in ClinVar:

ClinVar aggregate classification (germline): Uncertain significance (1 of 4 stars; one submission).

Submission:

GeneDx
Classification: Uncertain significance. Last evaluated: 2023-06-26. Review status: criteria provided, single submitter. Criteria: GeneDx Variant Classification Process June 2021. Collection method: clinical testing. Allele origin: germline. Affected: yes.
Comment: Has not been previously published as pathogenic or benign to our knowledge; Not observed at significant frequency in large population cohorts (gnomAD); In silico analysis supports that this missense variant has a deleterious effect on protein structure/function

NM_001377142.1(PLCB4):c.574C>T (p.Pro192Ser)

Gene: PLCB4 (phospholipase C beta 4; plus strand). Cytogenetic location: 20p12.2.
Variant type: single nucleotide variant.
Coding change: c.574C>T on transcript NM_001377142.1 (MANE Select); coding-DNA position 574, C replaced by T.
Protein change: p.Pro192Ser; replaces proline 192 with serine.
Molecular consequence: missense variant.
Genome position (GRCh38, 1-based): chr20:9,371,284, C>T. VCF-style: chr20-9371284-C-T. GRCh37 (hg19) VCF-style: chr20-9351931-C-T.
Other names: c.574C>T, p.Pro192Ser (NM_000933.4, NM_001172646.2, NM_001377134.2 and 4 more transcripts); short protein forms P192S.
Identifiers: ClinVar variation 3360438 (VCV003360438.1).